The following is an entry in ClinVar:

ClinVar aggregate classification (germline): Pathogenic (0 of 4 stars; one submission).

Conditions:
Steinert myotonic dystrophy syndrome (DM1). Also called: STEINERT DISEASE; Myotonic dystrophy type 1; Dystrophia myotonica type 1; Steinert myotonic dystrophy; Steinert's disease. Identifiers: Orphanet 273, MedGen C3250443, MONDO:0008056, OMIM 160900.

Submission:

Institute of Molecular, Cell and Systems Biology, University of Glasgow
Classification: Pathogenic for Steinert myotonic dystrophy syndrome. Review status: no assertion criteria provided. Criteria: research. Collection method: research. Allele origin: germline. Inheritance: Autosomal dominant inheritance. Affected: yes. Observed: 1 heterozygote.
Comment: DMPK CTG repeat expansions greater than approximately 45-50 repeats are assumed to be pathogenic

This record is based on data published in PubMed 25052313, which reports only ClinVar accessions SCV000120188 and SCV000120189. The complete data set includes SCV000207445 - SCV000207579.

Literature cited by the submitters: PubMed 1346923; PubMed 1546326; PubMed 25052313.

NM_004409.5(DMPK):c.*224CTG[437]

Genes: DM1-AS (DM1 locus antisense RNA; plus strand), DMPK (DM1 protein kinase; minus strand), LOC107075317 (origin of replication in DMPK trinucleotide repeat region; plus strand), LOC109461477 (dystrophia myotonica protein kinase repeat instability region; plus strand). Cytogenetic location: 19q13.32.
Variant type: Microsatellite.
Coding change: c.*224CTG[437] on transcript NM_004409.5 (MANE Select); 437 copies in a row of the 3-base unit CTG starting at c.*224.
Molecular consequence: 3 prime UTR variant.
Genome position: GRCh38, VCF-style position (the base before the change): chr19:45,770,204. GRCh37 (hg19), VCF-style position (the base before the change): chr19:46,273,462.
Other names: DM1 CTG repeat expansion; c.*217CTG[437] (NM_001424163.1, NM_001424166.1, NM_001081562.3 and 2 more transcripts); c.*369CTG[437] (NM_001424164.1, NM_001424168.1, NM_001288766.2); c.*224CTG[437] (NM_001424165.1, NM_001424169.1, NM_001081560.3 and 1 more transcripts); c.*222_*224TGC[437] (NM_001081563.3).
Identifiers: ClinVar variation 187982 (VCV000187982.2), ClinGen allele CA915951799.